The following is an entry in ClinVar:

ClinVar aggregate classification (germline): Uncertain significance. Review status: criteria provided, multiple submitters, no conflicts (2 of 4 stars). 2 submissions from 2 submitters: Uncertain significance (2). Last evaluated 2024-12-12.

Submissions (2):

Labcorp Genetics (formerly Invitae), Labcorp
Classification: Uncertain significance. Last evaluated: 2024-12-12. Review status: criteria provided, single submitter. Criteria: Invitae Variant Classification Sherloc (09022015). Collection method: clinical testing. Allele origin: germline.
Comment: This sequence change creates a premature translational stop signal (p.Asp374Phefs*10) in the SAG gene. While this is not anticipated to result in nonsense mediated decay, it is expected to disrupt the last 32 amino acid(s) of the SAG protein. This variant is not present in population databases (gnomAD no frequency). This variant has not been reported in the literature in individuals affected with SAG-related conditions. ClinVar contains an entry for this variant (Variation ID: 866959). Experimental studies and prediction algorithms are not available or were not evaluated, and the functional significance of this variant is currently unknown. In summary, the available evidence is currently insufficient to determine the role of this variant in disease. Therefore, it has been classified as a Variant of Uncertain Significance.

Blueprint Genetics
Classification: Uncertain significance. Last evaluated: 2023-11-15. Review status: criteria provided, single submitter. Criteria: ACMG Guidelines, 2015. Collection method: clinical testing. Allele origin: germline.

NM_000541.5(SAG):c.1120_1132del (p.Asp374fs)

Gene: SAG (S-antigen visual arrestin; plus strand). Cytogenetic location: 2q37.1.
Variant type: Deletion.
Coding change: c.1120_1132del on transcript NM_000541.5 (MANE Select); coding-DNA positions 1120 to 1132, 13 bases deleted (GATGCAAATTTAG).
Protein change: p.Asp374fs; shifts the reading frame from aspartic acid 374.
Molecular consequence: frameshift variant.
Genome position (GRCh38, 1-based): chr2:233,346,814-233,346,826, GATGCAAATTTAG deleted; deleting any 13 consecutive bases within chr2:233,346,812-233,346,826 gives the same sequence; the c. name uses the placement nearest the transcript's 3' end. VCF-style (leftmost placement, unchanged base first): chr2-233346811-CAGGATGCAAATTT-C. GRCh37 (hg19) VCF-style: chr2-234255457-CAGGATGCAAATTT-C.
Other names: short protein forms D374fs.
Identifiers: ClinVar variation 866959 (VCV000866959.4), dbSNP rs1701266105, ClinGen allele CA916082551.